The following is an entry in ClinVar:

ClinVar aggregate classification (germline): Uncertain significance. Review status: criteria provided, multiple submitters, no conflicts (2 of 4 stars). 3 submissions from 3 submitters: Uncertain significance (2). 1 of the submissions does not count toward it. Last evaluated 2024-09-06.

Conditions:
MAGEL2-related disorder. Also called: MAGEL2-related condition.

Allele frequency attached by ClinVar (database versions not stated): gnomAD exomes 0.00001.

Submissions (3):

Labcorp Genetics (formerly Invitae), Labcorp
Classification: Uncertain significance. Last evaluated: 2024-09-06. Review status: criteria provided, single submitter. Criteria: Invitae Variant Classification Sherloc (09022015). Collection method: clinical testing. Allele origin: germline.
Comment: This sequence change replaces alanine, which is neutral and non-polar, with serine, which is neutral and polar, at codon 230 of the MAGEL2 protein (p.Ala230Ser). This variant is present in population databases (no rsID available, gnomAD 0.002%). This variant has not been reported in the literature in individuals affected with MAGEL2-related conditions. ClinVar contains an entry for this variant (Variation ID: 1310863). Experimental studies and prediction algorithms are not available or were not evaluated, and the functional significance of this variant is currently unknown. In summary, the available evidence is currently insufficient to determine the role of this variant in disease. Therefore, it has been classified as a Variant of Uncertain Significance.

GeneDx
Classification: Uncertain significance. Last evaluated: 2020-11-16. Review status: criteria provided, single submitter. Criteria: GeneDx Variant Classification Process June 2021. Collection method: clinical testing. Allele origin: germline. Affected: yes.
Comment: In silico analysis, which includes protein predictors and evolutionary conservation, supports that this variant does not alter protein structure/function; Has not been previously published as pathogenic or benign to our knowledge; Not observed at a significant frequency in large population cohorts (Lek et al., 2016)

PreventionGenetics, part of Exact Sciences
Classification: Uncertain significance for MAGEL2-related condition. Last evaluated: 2023-11-14. Review status: no assertion criteria provided. Collection method: clinical testing. Allele origin: germline. Not counted in ClinVar's aggregate classification.
Comment: The MAGEL2 c.688G>T variant is predicted to result in the amino acid substitution p.Ala230Ser. To our knowledge, this variant has not been reported in the literature. This variant is reported in 0.0017% of alleles in individuals of European (Non-Finnish) descent in gnomAD. This variant falls within a highly paralogous region. Allele frequency data should be interpreted with caution. At this time, the clinical significance of this variant is uncertain due to the absence of conclusive functional and genetic evidence.

NM_019066.5(MAGEL2):c.688G>T (p.Ala230Ser)

Gene: MAGEL2 (MAGE family member L2; minus strand). Cytogenetic location: 15q11.2.
Variant type: single nucleotide variant.
Coding change: c.688G>T on transcript NM_019066.5 (MANE Select); coding-DNA position 688, G replaced by T.
Protein change: p.Ala230Ser; replaces alanine 230 with serine.
Molecular consequence: missense variant.
Genome position (GRCh38, 1-based): chr15:23,647,055, C>A on the plus strand (G>T on the coding strand, the complement: MAGEL2 is on the minus strand). VCF-style: chr15-23647055-C-A. GRCh37 (hg19) VCF-style: chr15-23892202-C-A.
Other names: short protein forms A230S.
Identifiers: ClinVar variation 1310863 (VCV001310863.6), dbSNP rs1201257411, ClinGen allele CA391336721.